The following is an entry in ClinVar:

ClinVar aggregate classification (germline): Uncertain significance. Review status: criteria provided, multiple submitters, no conflicts (2 of 4 stars). 3 submissions from 3 submitters: Uncertain significance (3). Last evaluated 2026-10-01.

Conditions:
Inborn genetic diseases. Identifiers: MedGen C0950123, MeSH D030342.
Tumor predisposition syndrome 2 (TPDS2). Also called: MBD4-associated neoplasia syndrome (MANS); MBD4-Related Tumor Predisposition Syndrome; MBD4-ASSOCIATED NEOPLASIA SYNDROME. Identifiers: Orphanet 661526, MedGen C5774186, MONDO:0859267, OMIM 619975.

Allele frequency attached by ClinVar (database versions not stated): TOPMed below 0.00001; ExAC 0.00002; gnomAD 0.00001.
gnomAD v4.1: 23 of 1,614,050 alleles (0.0014%); highest among the groups gnomAD compares: East Asian, 0.0067%; no homozygotes.

Submissions (3):

St. Jude Molecular Pathology, St. Jude Children's Research Hospital
Classification: Uncertain significance for Tumor predisposition syndrome 2. Last evaluated: 2026-10-01. Review status: criteria provided, single submitter. Criteria: St. Jude Assertion Criteria 2020. Collection method: clinical testing. Allele origin: germline.
Comment: The MBD4 c.1294C>T p.(Arg432Cys) missense change has a maximum subpopulation frequency of 0.005% in gnomAD v2.1.1. The in silico tool REVEL is inconclusive about a pathogenic or benign effect of this variant on protein func tion, and to our knowledge functional studies have not been performed. To our knowledge, this variant has not been reported in individuals with MBD4-associated neoplasia syndrome. In summary, the evidence currently available is insufficient to determine the clinical significance of this variant. It has therefore been classified as of uncertain significance (VUS-Low).

Labcorp Genetics (formerly Invitae), Labcorp
Classification: Uncertain significance. Last evaluated: 2025-11-19. Review status: criteria provided, single submitter. Criteria: Invitae Variant Classification Sherloc (09022015). Collection method: clinical testing. Allele origin: germline.
Comment: This sequence change replaces arginine, which is basic and polar, with cysteine, which is neutral and slightly polar, at codon 432 of the MBD4 protein (p.Arg432Cys). This variant is present in population databases (rs761551915, gnomAD 0.006%). This variant has not been reported in the literature in individuals affected with MBD4-related conditions. ClinVar contains an entry for this variant (Variation ID: 2088247). An algorithm developed to predict the effect of missense changes on protein structure and function (PolyPhen-2) suggests that this variant is likely to be tolerated. In summary, the available evidence is currently insufficient to determine the role of this variant in disease. Therefore, it has been classified as a Variant of Uncertain Significance.

Ambry Genetics
Classification: Uncertain significance for Inborn genetic diseases. Last evaluated: 2025-01-31. Review status: criteria provided, single submitter. Criteria: Ambry Variant Classification Scheme 2023. Collection method: clinical testing. Allele origin: germline.
Comment: The p.R426C variant (also known as c.1276C>T), located in coding exon 5 of the MBD4 gene, results from a C to T substitution at nucleotide position 1276. The arginine at codon 426 is replaced by cysteine, an amino acid with highly dissimilar properties. This amino acid position is conserved. In addition, this alteration is predicted to be deleterious by in silico analysis. Based on the available evidence, the clinical significance of this variant remains unclear.

NM_001276270.2(MBD4):c.1276C>T (p.Arg426Cys)

Gene: MBD4 (methyl-CpG binding domain 4, DNA glycosylase; minus strand). Cytogenetic location: 3q21.3.
Variant type: single nucleotide variant.
Coding change: c.1276C>T on transcript NM_001276270.2 (MANE Select); coding-DNA position 1276, C replaced by T.
Protein change: p.Arg426Cys; replaces arginine 426 with cysteine.
Molecular consequence: missense variant.
Genome position (GRCh38, 1-based): chr3:129,433,967, G>A on the plus strand (C>T on the coding strand, the complement: MBD4 is on the minus strand). VCF-style: chr3-129433967-G-A. GRCh37 (hg19) VCF-style: chr3-129152810-G-A.
Other names: c.1294C>T, p.Arg432Cys (NM_001276271.2, NM_001276272.2, NM_003925.3); c.340C>T, p.Arg114Cys (NM_001276273.2); short protein forms R426C, R114C, R432C.
Identifiers: ClinVar variation 2088247 (VCV002088247.5), dbSNP rs761551915, ClinGen allele CA2605336.